The following is an entry in ClinVar:

NM_001348768.2(HECW2):c.1754C>G (p.Ser585Cys)

Gene: HECW2 (HECT, C2 and WW domain containing E3 ubiquitin protein ligase 2; minus strand). Cytogenetic location: 2q32.3.
Variant type: single nucleotide variant.
Coding change: c.1754C>G on transcript NM_001348768.2 (MANE Select); coding-DNA position 1754, C replaced by G.
Protein change: p.Ser585Cys; replaces serine 585 with cysteine.
Molecular consequence: missense variant.
Genome position (GRCh38, 1-based): chr2:196,319,136, G>C on the plus strand (C>G on the coding strand, the complement: HECW2 is on the minus strand). VCF-style: chr2-196319136-G-C. GRCh37 (hg19) VCF-style: chr2-197183860-G-C.
Other names: c.686C>G, p.Ser229Cys (NM_001304840.3); c.1754C>G, p.Ser585Cys (NM_020760.4); short protein forms S229C, S585C.
Identifiers: ClinVar variation 4998245 (VCV004998245.1).

ClinVar aggregate classification (germline): Uncertain significance (1 of 4 stars; one submission).

Conditions:
HECW2-related disorder. Also called: HECW2-related condition.

Submission:

PreventionGenetics, part of Exact Sciences
Classification: Uncertain significance for HECW2-related condition. Last evaluated: 2025-06-20. Review status: criteria provided, single submitter. Criteria: ACMG Guidelines, 2015. Collection method: clinical testing. Allele origin: germline.
Comment: The HECW2 c.1754C>G variant is predicted to result in the amino acid substitution p.Ser585Cys. To our knowledge, this variant has not been reported in the literature or in a large population database (gnomAD), indicating this variant is rare. At this time, the clinical significance of this variant is uncertain due to the absence of conclusive functional and genetic evidence.